The following is an entry in ClinVar:

NM_001267550.2(TTN):c.50513G>C (p.Ser16838Thr)

Genes: TTN (titin; minus strand), TTN-AS1 (TTN antisense RNA 1; plus strand). Cytogenetic location: 2q31.2.
Variant type: single nucleotide variant.
Coding change: c.50513G>C on transcript NM_001267550.2 (MANE Select); coding-DNA position 50513, G replaced by C.
Protein change: p.Ser16838Thr; replaces serine 16838 with threonine.
Molecular consequence: missense variant.
Genome position (GRCh38, 1-based): chr2:178,611,796, C>G on the plus strand (G>C on the coding strand, the complement: TTN is on the minus strand). VCF-style: chr2-178611796-C-G. GRCh37 (hg19) VCF-style: chr2-179476523-C-G.
Other names: c.45590G>C, p.Ser15197Thr (NM_001256850.1); c.23318G>C, p.Ser7773Thr (NM_003319.4); c.42809G>C, p.Ser14270Thr (NM_133378.4); c.23693G>C, p.Ser7898Thr (NM_133432.3); c.23894G>C, p.Ser7965Thr (NM_133437.4); short protein forms S14270T, S15197T, S16838T, S7773T, S7898T, S7965T.
Identifiers: ClinVar variation 1304631 (VCV001304631.4), dbSNP rs755391418, ClinGen allele CA1994363.

ClinVar aggregate classification (germline): Uncertain significance. Review status: criteria provided, multiple submitters, no conflicts (2 of 4 stars). 2 submissions from 2 submitters: Uncertain significance (2). Last evaluated 2021-03-18.

Allele frequency attached by ClinVar (database versions not stated): gnomAD 0.00001; gnomAD exomes 0.00001; TOPMed 0.00001; ExAC 0.00002.
gnomAD v4.1: 7 of 1,612,712 alleles (0.00043%); highest among the groups gnomAD compares: Non-Finnish European, 0.00059%; no homozygotes.

Submissions (2):

Revvity Omics, Revvity
Classification: Uncertain significance. Last evaluated: 2021-03-18. Review status: criteria provided, single submitter. Criteria: ACMG Guidelines, 2015. Collection method: clinical testing. Allele origin: germline.

GeneDx
Classification: Uncertain significance. Last evaluated: 2019-06-06. Review status: criteria provided, single submitter. Criteria: GeneDx Variant Classification Process June 2021. Collection method: clinical testing. Allele origin: germline. Affected: yes.
Comment: Not observed at a significant frequency in large population cohorts (Lek et al., 2016); Missense variant in a gene in which most reported pathogenic variants are truncating/loss-of-function; Has not been previously published as pathogenic or benign to our knowledge